The following is an entry in ClinVar:

NM_024422.6(DSC2):c.1505G>T (p.Ser502Ile)

Gene: DSC2 (desmocollin 2; minus strand). Cytogenetic location: 18q12.1.
Variant type: single nucleotide variant.
Coding change: c.1505G>T on transcript NM_024422.6 (MANE Select); coding-DNA position 1505, G replaced by T.
Protein change: p.Ser502Ile; replaces serine 502 with isoleucine.
Molecular consequence: missense variant.
Genome position (GRCh38, 1-based): chr18:31,080,111, C>A on the plus strand (G>T on the coding strand, the complement: DSC2 is on the minus strand). VCF-style: chr18-31080111-C-A. GRCh37 (hg19) VCF-style: chr18-28660077-C-A.
Other names: c.1076G>T, p.Ser359Ile (NM_001406506.1, NM_001406507.1); c.1505G>T, p.Ser502Ile (NM_004949.5); short protein forms S359I, S502I.
Identifiers: ClinVar variation 2956765 (VCV002956765.3), dbSNP rs1385184885, ClinGen allele CA402108349.
Genomic context (GRCh38, chr18:31,080,111, plus strand): 5'-CAAAATAAGCTATATATTTTAAAACTAAAATAGAATGGTAAGTACCTTATGCCACTGCTA[C>A]TTCTTGTTTCTGGGTCATATGCTTTATATCCATTGCTTGTTGTTCCCACTTCTGCATTTT-3'
Protein context (NP_077740.1, residues 492-512): GYKAYDPETR[Ser502Ile]SSGIRYKKLT

ClinVar aggregate classification (germline): Uncertain significance (1 of 4 stars; one submission).

Conditions:
Arrhythmogenic right ventricular dysplasia 11. Also called: ARRHYTHMOGENIC RIGHT VENTRICULAR DYSPLASIA, FAMILIAL, 11; Arrhythmogenic Right Ventricular Dysplasia/Cardiomyopathy11; Arrhythmogenic right ventricular dysplasia 11 with mild palmoplantar keratoderma and woolly hair. Identifiers: MedGen C1864850, MONDO:0012506, OMIM 610476.

Allele frequency attached by ClinVar (database versions not stated): gnomAD 0.00001; gnomAD exomes below 0.00001; TOPMed below 0.00001.
gnomAD v4.1: 3 of 1,613,830 alleles (0.00019%); highest among the groups gnomAD compares: Non-Finnish European, 0.00025%; no homozygotes.

Submission:

Labcorp Genetics (formerly Invitae), Labcorp
Classification: Uncertain significance for Arrhythmogenic right ventricular dysplasia 11. Last evaluated: 2025-05-19. Review status: criteria provided, single submitter. Criteria: Invitae Variant Classification Sherloc (09022015). Collection method: clinical testing. Allele origin: germline.
Comment: This sequence change replaces serine, which is neutral and polar, with isoleucine, which is neutral and non-polar, at codon 502 of the DSC2 protein (p.Ser502Ile). This variant is not present in population databases (gnomAD no frequency). This variant has not been reported in the literature in individuals affected with DSC2-related conditions. ClinVar contains an entry for this variant (Variation ID: 2956765). Invitae Evidence Modeling of protein sequence and biophysical properties (such as structural, functional, and spatial information, amino acid conservation, physicochemical variation, residue mobility, and thermodynamic stability) has been performed for this missense variant. However, the output from this modeling did not meet the statistical confidence thresholds required to predict the impact of this variant on DSC2 protein function. In summary, the available evidence is currently insufficient to determine the role of this variant in disease. Therefore, it has been classified as a Variant of Uncertain Significance.